The following is an entry in ClinVar:

NM_003482.4(KMT2D):c.988T>C (p.Ser330Pro)

Gene: KMT2D (lysine methyltransferase 2D; minus strand). Cytogenetic location: 12q13.12.
Variant type: single nucleotide variant.
Coding change: c.988T>C on transcript NM_003482.4 (MANE Select); coding-DNA position 988, T replaced by C.
Protein change: p.Ser330Pro; replaces serine 330 with proline.
Molecular consequence: missense variant.
Genome position (GRCh38, 1-based): chr12:49,053,039, A>G on the plus strand (T>C on the coding strand, the complement: KMT2D is on the minus strand). VCF-style: chr12-49053039-A-G. GRCh37 (hg19) VCF-style: chr12-49446822-A-G.
Other names: short protein forms S330P.
Identifiers: ClinVar variation 2238704 (VCV002238704.3), dbSNP rs2498463128, ClinGen allele CA384678861.

ClinVar aggregate classification (germline): Uncertain significance. Review status: criteria provided, multiple submitters, no conflicts (2 of 4 stars). 2 submissions from 2 submitters: Uncertain significance (2). Last evaluated 2026-09-10.

Conditions:
Inborn genetic diseases. Identifiers: MedGen C0950123, MeSH D030342.
KMT2D-related disorder. Also called: KMT2D-Related Disorders.

Submissions (2):

PreventionGenetics, part of Exact Sciences
Classification: Uncertain significance for KMT2D-related condition. Last evaluated: 2026-09-10. Review status: criteria provided, single submitter. Criteria: ACMG Guidelines, 2015. Collection method: clinical testing. Allele origin: germline.
Comment: The KMT2D c.988T>C variant is predicted to result in the amino acid substitution p.Ser330Pro. To our knowledge, this variant has not been reported in the literature or in a large population database (gnomAD), indicating this variant is rare. At this time, the clinical significance of this variant is uncertain due to the absence of conclusive functional and genetic evidence.

Ambry Genetics
Classification: Uncertain significance for Inborn genetic diseases. Last evaluated: 2021-07-20. Review status: criteria provided, single submitter. Criteria: Ambry Variant Classification Scheme 2023. Collection method: clinical testing. Allele origin: germline.